The following is an entry in ClinVar:

NM_002878.4(RAD51D):c.263+1531C>T

Genes: RAD51D (RAD51 paralog D; minus strand), RAD51L3-RFFL (RAD51L3-RFFL readthrough; minus strand). Cytogenetic location: 17q12.
Variant type: single nucleotide variant.
Coding change: c.263+1531C>T on transcript NM_002878.4 (MANE Select); 1531 bases into the intron after coding-DNA position 263, C replaced by T.
Molecular consequence: intron variant. On other transcripts: missense variant (1).
Genome position (GRCh38, 1-based): chr17:35,116,970, G>A on the plus strand (C>T on the coding strand, the complement: RAD51D is on the minus strand). VCF-style: chr17-35116970-G-A. GRCh37 (hg19) VCF-style: chr17-33443989-G-A.
Other names: c.212C>T, p.Ser71Leu (NM_001142571.2); c.144+2141C>T (NM_133629.3); short protein forms S71L.
Identifiers: ClinVar variation 2663994 (VCV002663994.1), dbSNP rs572710839, ClinGen allele CA8499585.

ClinVar aggregate classification (germline): Uncertain significance (1 of 4 stars; one submission).

Conditions:
Breast-ovarian cancer, familial, susceptibility to, 4. Identifiers: Orphanet 145, MedGen C3280345, MONDO:0013669, OMIM 614291.

Allele frequency attached by ClinVar (database versions not stated): gnomAD 0.00001; ExAC 0.00004.
gnomAD v4.1: 44 of 1,613,748 alleles (0.0027%); highest among the groups gnomAD compares: South Asian, 0.035%; no homozygotes.

Submission:

St. Jude Molecular Pathology, St. Jude Children's Research Hospital
Classification: Uncertain significance for Breast-ovarian cancer, familial, susceptibility to, 4. Last evaluated: 2023-10-31. Review status: criteria provided, single submitter. Criteria: St. Jude Assertion Criteria 2020. Collection method: clinical testing. Allele origin: germline.
Comment: The RAD51D c.212C>T (p.Ser71Leu) missense change has a maximum subpopulation frequency of 0.026% in gnomAD v2.1.1. The in silico tool REVEL predicts a benign effect on protein function, but to our knowledge this prediction has not been confirmed by functional studies. This variant has been reported in at least one individual with a personal history of breast cancer (PMID: 36200007). This variant is absent in a database of women older than 70 years of age who have never had cancer (FLOSSIES database). To our knowledge, this variant has not been reported in individuals with Fanconi anemia. In summary, the evidence currently available is insufficient to determine the clinical significance of this variant. It has therefore been classified as of uncertain significance.